The following is an entry in ClinVar:

NM_000219.6(KCNE1):c.201C>T (p.Arg67=)

Gene: KCNE1 (potassium voltage-gated channel subfamily E regulatory subunit 1; minus strand). Cytogenetic location: 21q22.12.
Variant type: single nucleotide variant.
Coding change: c.201C>T on transcript NM_000219.6 (MANE Select); coding-DNA position 201, C replaced by T.
Protein change: p.Arg67=; no amino-acid change (arginine 67 retained).
Molecular consequence: synonymous variant.
Genome position (GRCh38, 1-based): chr21:34,449,434, G>A on the plus strand (C>T on the coding strand, the complement: KCNE1 is on the minus strand). VCF-style: chr21-34449434-G-A. GRCh37 (hg19) VCF-style: chr21-35821732-G-A.
Other names: c.201C>T, p.Arg67= (NM_001127668.4, NM_001127669.4, NM_001127670.4 and 4 more transcripts).
Identifiers: ClinVar variation 3374316 (VCV003374316.2).
Genomic context (GRCh38, chr21:34,449,434, plus strand): 5'-CCAGGCATCGGACTCGATGTAGACGTTGAATGGGTCGTTCGAGTGCTCCAGCTTCTTGGA[G>A]CGGATGTAGCTCAGCATGATGCCCAGGGTGAAGAAGCCGAAGAATCCCAGTACCATGAGG-3'
Protein context (NP_000210.2, residues 57-77): FTLGIMLSYI[Arg67=]SKKLEHSNDP

Conditions:
Long QT syndrome 5 (LQT5). Identifiers: Orphanet 101016, Orphanet 768, MedGen C1867904, MONDO:0013372, OMIM 613695.

Submission:

Roden Lab, Vanderbilt University Medical Center
No classification provided (evidence only). Condition: Long QT syndrome 5. Review status: no classification provided. Collection method: in vitro. Allele origin: not applicable. Functional consequence: Effect on ion channel function.
ClinVar note: "not provided" was previously submitted as the classification for the variant. However, the classification appeared to be based only on an observation of functional data so it was converted to no classification on 2025-07-30.